The following is an entry in ClinVar:

ClinVar aggregate classification (germline): Pathogenic (1 of 4 stars; one submission).

Conditions:
Mosaic variegated aneuploidy syndrome 2 (MVA2). Identifiers: Orphanet 1052, MedGen C3279843, MONDO:0013582, OMIM 614114.

Allele frequency attached by ClinVar (database versions not stated): TOPMed below 0.00001; gnomAD 0.00001.

Submission:

Labcorp Genetics (formerly Invitae), Labcorp
Classification: Pathogenic for Mosaic variegated aneuploidy syndrome 2. Last evaluated: 2022-12-10. Review status: criteria provided, single submitter. Criteria: Invitae Variant Classification Sherloc (09022015). Collection method: clinical testing. Allele origin: germline.
Comment: This sequence change creates a premature translational stop signal (p.Arg151*) in the CEP57 gene. It is expected to result in an absent or disrupted protein product. Loss-of-function variants in CEP57 are known to be pathogenic (PMID: 21552266, 24259107). For these reasons, this variant has been classified as Pathogenic. ClinVar contains an entry for this variant (Variation ID: 643769). This variant has not been reported in the literature in individuals affected with CEP57-related conditions. This variant is present in population databases (no rsID available, gnomAD 0.002%).

Literature cited by the submitters: PubMed 21552266; PubMed 24259107.

NM_014679.5(CEP57):c.451C>T (p.Arg151Ter)

Gene: CEP57 (centrosomal protein 57; plus strand). Cytogenetic location: 11q21.
Variant type: single nucleotide variant.
Coding change: c.451C>T on transcript NM_014679.5 (MANE Select); coding-DNA position 451, C replaced by T.
Protein change: p.Arg151Ter; replaces arginine 151 with a stop codon.
Molecular consequence: nonsense.
Genome position (GRCh38, 1-based): chr11:95,813,536, C>T. VCF-style: chr11-95813536-C-T. GRCh37 (hg19) VCF-style: chr11-95546700-C-T.
Other names: c.424C>T, p.Arg142Ter (NM_001243776.2); c.451C>T, p.Arg151Ter (NM_001243777.2); c.370C>T, p.Arg124Ter (NM_001363604.2); short protein forms R124*, R142*, R151*.
Identifiers: ClinVar variation 643769 (VCV000643769.6), dbSNP rs771182933, ClinGen allele CA382422078.